The following is an entry in ClinVar:

ClinVar aggregate classification (germline): Pathogenic (1 of 4 stars; one submission).

Submission:

Labcorp Genetics (formerly Invitae), Labcorp
Classification: Pathogenic. Last evaluated: 2024-05-28. Review status: criteria provided, single submitter. Criteria: Invitae Variant Classification Sherloc (09022015). Collection method: clinical testing. Allele origin: germline.
Comment: This sequence change creates a premature translational stop signal (p.Arg3846*) in the PCLO gene. It is expected to result in an absent or disrupted protein product. Loss-of-function variants in PCLO are known to be pathogenic (PMID: 25832664, 30287594). This variant is not present in population databases (gnomAD no frequency). This variant has not been reported in the literature in individuals affected with PCLO-related conditions. For these reasons, this variant has been classified as Pathogenic.

Literature cited by the submitters: PubMed 25832664; PubMed 30287594.

NM_033026.6(PCLO):c.11536C>T (p.Arg3846Ter)

Gene: PCLO (piccolo presynaptic cytomatrix protein; minus strand). Cytogenetic location: 7q21.11.
Variant type: single nucleotide variant.
Coding change: c.11536C>T on transcript NM_033026.6 (MANE Select); coding-DNA position 11536, C replaced by T.
Protein change: p.Arg3846Ter; replaces arginine 3846 with a stop codon.
Molecular consequence: nonsense.
Genome position (GRCh38, 1-based): chr7:82,916,450, G>A on the plus strand (C>T on the coding strand, the complement: PCLO is on the minus strand). VCF-style: chr7-82916450-G-A. GRCh37 (hg19) VCF-style: chr7-82545766-G-A.
Other names: c.11536C>T, p.Arg3846Ter (NM_014510.3); short protein forms R3846*.
Identifiers: ClinVar variation 3652722 (VCV003652722.2).